The following is an entry in ClinVar:

ClinVar aggregate classification (germline): Uncertain significance (1 of 4 stars; one submission).

Conditions:
Inborn genetic diseases. Identifiers: MedGen C0950123, MeSH D030342.

Submission:

Ambry Genetics
Classification: Uncertain significance for Inborn genetic diseases. Last evaluated: 2025-04-30. Review status: criteria provided, single submitter. Criteria: Ambry Variant Classification Scheme 2023. Collection method: clinical testing. Allele origin: germline.
Comment: The p.Q392H variant (also known as c.1176G>T), located in coding exon 8 of the RUNX1 gene, results from a G to T substitution at nucleotide position 1176. The glutamine at codon 392 is replaced by histidine, an amino acid with highly similar properties. This amino acid position is highly conserved in available vertebrate species. In addition, this alteration is predicted to be tolerated by in silico analysis. Based on the available evidence, the clinical significance of this variant remains unclear.

NM_001754.5(RUNX1):c.1176G>T (p.Gln392His)

Gene: RUNX1 (RUNX family transcription factor 1; minus strand). Cytogenetic location: 21q22.12.
Variant type: single nucleotide variant.
Coding change: c.1176G>T on transcript NM_001754.5 (MANE Select); coding-DNA position 1176, G replaced by T.
Protein change: p.Gln392His; replaces glutamine 392 with histidine.
Molecular consequence: missense variant.
Genome position (GRCh38, 1-based): chr21:34,792,402, C>A on the plus strand (G>T on the coding strand, the complement: RUNX1 is on the minus strand). VCF-style: chr21-34792402-C-A. GRCh37 (hg19) VCF-style: chr21-36164699-C-A.
Other names: c.1095G>T, p.Gln365His (NM_001001890.3); short protein forms Q392H, Q365H.
Identifiers: ClinVar variation 3948834 (VCV003948834.1).